The following is an entry in ClinVar:

ClinVar aggregate classification (germline): Uncertain significance (1 of 4 stars; one submission).

Conditions:
FSHR-related disorder. Also called: FSHR-related condition; FSHR-related disorders.

Submission:

PreventionGenetics, part of Exact Sciences
Classification: Uncertain significance for FSHR-related condition. Last evaluated: 2025-06-25. Review status: criteria provided, single submitter. Criteria: ACMG Guidelines, 2015. Collection method: clinical testing. Allele origin: germline.
Comment: The FSHR c.325C>G variant is predicted to result in the amino acid substitution p.Leu109Val. To our knowledge, this variant has not been reported in the literature. This variant is reported in 0.020% of alleles in individuals of African descent in gnomAD. At this time, the clinical significance of this variant is uncertain due to the absence of conclusive functional and genetic evidence.

NM_000145.4(FSHR):c.325C>G (p.Leu109Val)

Gene: FSHR (follicle stimulating hormone receptor; minus strand). Cytogenetic location: 2p16.3.
Variant type: single nucleotide variant.
Coding change: c.325C>G on transcript NM_000145.4 (MANE Select); coding-DNA position 325, C replaced by G.
Protein change: p.Leu109Val; replaces leucine 109 with valine.
Molecular consequence: missense variant.
Genome position (GRCh38, 1-based): chr2:49,017,538, G>C on the plus strand (C>G on the coding strand, the complement: FSHR is on the minus strand). VCF-style: chr2-49017538-G-C. GRCh37 (hg19) VCF-style: chr2-49244677-G-C.
Other names: c.325C>G, p.Leu109Val (NM_181446.3); short protein forms L109V.
Identifiers: ClinVar variation 4977545 (VCV004977545.1).